The following is an entry in ClinVar:

NM_031443.4(CCM2):c.746A>G (p.Asp249Gly)

Gene: CCM2 (CCM2 scaffold protein; plus strand). Cytogenetic location: 7p13.
Variant type: single nucleotide variant.
Coding change: c.746A>G on transcript NM_031443.4 (MANE Select); coding-DNA position 746, A replaced by G.
Protein change: p.Asp249Gly; replaces aspartic acid 249 with glycine.
Molecular consequence: missense variant. On other transcripts: non-coding transcript variant (1).
Genome position (GRCh38, 1-based): chr7:45,072,726, A>G. VCF-style: chr7-45072726-A-G. GRCh37 (hg19) VCF-style: chr7-45112325-A-G.
Other names: c.809A>G, p.Asp270Gly (NM_001029835.2); c.572A>G, p.Asp191Gly (NM_001167934.2); c.473A>G, p.Asp158Gly (NM_001167935.2); c.869A>G, p.Asp290Gly (NM_001363458.2); c.695A>G, p.Asp232Gly (NM_001363459.2); short protein forms D270G, D158G, D191G, D232G, D249G, D290G.
Identifiers: ClinVar variation 2551565 (VCV002551565.3), dbSNP rs778275475, ClinGen allele CA4247115.

ClinVar aggregate classification (germline): Uncertain significance (1 of 4 stars; one submission).

Conditions:
Inborn genetic diseases. Identifiers: MedGen C0950123, MeSH D030342.

Allele frequency attached by ClinVar (database versions not stated): gnomAD exomes below 0.00001; ExAC 0.00001; TOPMed 0.00001.
gnomAD v4.1: 6 of 1,612,292 alleles (0.00037%); highest among the groups gnomAD compares: Middle Eastern, 0.018%; no homozygotes.

Submission:

Ambry Genetics
Classification: Uncertain significance for Inborn genetic diseases. Last evaluated: 2026-02-14. Review status: criteria provided, single submitter. Criteria: Ambry Variant Classification Scheme 2023. Collection method: clinical testing. Allele origin: germline.
Comment: The p.D249G variant (also known as c.746A>G) is located in coding exon 7 of the CCM2 gene. The aspartic acid at codon 249 is replaced by glycine, an amino acid with similar properties. This change occurs in the first base pair of coding exon 7. This amino acid position is conserved. In addition, this alteration is predicted to be tolerated by in silico analysis. Based on the available evidence, the clinical significance of this variant remains unclear.